The following is an entry in ClinVar:

NM_001048174.2(MUTYH):c.430C>A (p.Gln144Lys)

Gene: MUTYH (mutY DNA glycosylase; minus strand). Cytogenetic location: 1p34.1.
Variant type: single nucleotide variant.
Coding change: c.430C>A on transcript NM_001048174.2 (MANE Select); coding-DNA position 430, C replaced by A.
Protein change: p.Gln144Lys; replaces glutamine 144 with lysine.
Molecular consequence: missense variant. On other transcripts: non-coding transcript variant (7).
Genome position (GRCh38, 1-based): chr1:45,332,825, G>T on the plus strand (C>A on the coding strand, the complement: MUTYH is on the minus strand). VCF-style: chr1-45332825-G-T. GRCh37 (hg19) VCF-style: chr1-45798497-G-T.
Other names: c.463C>A, p.Gln155Lys (NM_001293191.2, NM_001407069.1, NM_001407077.1); c.154C>A, p.Gln52Lys (NM_001293192.2, NM_001293196.2, NM_001407091.1); c.430C>A, p.Gln144Lys (NM_001293195.2, NM_001407070.1, NM_001407088.1 and 6 more transcripts); c.85C>A, p.Gln29Lys (NM_001350650.2, NM_001350651.2, NM_001407082.1); c.433C>A, p.Gln145Lys (NM_001407071.1, NM_001407086.1, NM_001048172.2 and 1 more transcripts); c.472C>A, p.Gln158Lys (NM_001407085.1, NM_001407083.1); c.451C>A, p.Gln151Lys (NM_001407087.1); c.505C>A, p.Gln169Lys (NM_012222.3); and 5 more; short protein forms Q145K, Q172K, Q131K, Q169K, Q52K, Q130K, Q151K, Q159K.
Identifiers: ClinVar variation 4113707 (VCV004113707.1).

ClinVar aggregate classification (germline): Uncertain significance (1 of 4 stars; one submission).

Conditions:
Hereditary cancer-predisposing syndrome. Also called: Hereditary neoplastic syndrome; Neoplastic Syndromes, Hereditary; Tumor predisposition; Hereditary Cancer Syndrome. Identifiers: Orphanet 140162, MedGen C0027672, MeSH D009386, MONDO:0015356.

Submission:

Ambry Genetics
Classification: Uncertain significance for Hereditary cancer-predisposing syndrome. Last evaluated: 2025-08-27. Review status: criteria provided, single submitter. Criteria: Ambry Variant Classification Scheme 2023. Collection method: clinical testing. Allele origin: germline.
Comment: The p.Q172K variant (also known as c.514C>A), located in coding exon 7 of the MUTYH gene, results from a C to A substitution at nucleotide position 514. The glutamine at codon 172 is replaced by lysine, an amino acid with similar properties. This amino acid position is conserved. In addition, the in silico prediction for this alteration is inconclusive. Based on the available evidence, the clinical significance of this variant remains unclear.